The following is an entry in ClinVar:

NM_001148.6(ANK2):c.10889A>G (p.Asp3630Gly)

Gene: ANK2 (ankyrin 2; plus strand). Cytogenetic location: 4q26.
Variant type: single nucleotide variant.
Coding change: c.10889A>G on transcript NM_001148.6 (MANE Select); coding-DNA position 10889, A replaced by G.
Protein change: p.Asp3630Gly; replaces aspartic acid 3630 with glycine.
Molecular consequence: missense variant.
Genome position (GRCh38, 1-based): chr4:113,365,039, A>G. VCF-style: chr4-113365039-A-G. GRCh37 (hg19) VCF-style: chr4-114286195-A-G.
Other names: c.4607A>G, p.Asp1536Gly (NM_001127493.3); c.4646A>G, p.Asp1549Gly (NM_001354225.2); c.4535A>G, p.Asp1512Gly (NM_001354228.2, NM_001354258.2); c.4613A>G, p.Asp1538Gly (NM_001354230.2); c.4676A>G, p.Asp1559Gly (NM_001354231.2, NM_001354242.2); c.4670A>G, p.Asp1557Gly (NM_001354232.2); c.4631A>G, p.Asp1544Gly (NM_001354235.2, NM_001354246.2, NM_001354265.2); c.4532A>G, p.Asp1511Gly (NM_001354236.2); and 35 more; short protein forms D1417G, D1470G, D1472G, D1498G, D1523G, D1528G, D1535G, D3552G.
Identifiers: ClinVar variation 3864029 (VCV003864029.1).

ClinVar aggregate classification (germline): Uncertain significance (1 of 4 stars; one submission).

Conditions:
Cardiovascular phenotype. Identifiers: MedGen CN230736.

gnomAD v4.1: 1 of 1,613,868 alleles (0.000062%); no homozygotes.

Submission:

Ambry Genetics
Classification: Uncertain significance for Cardiovascular phenotype. Last evaluated: 2025-01-11. Review status: criteria provided, single submitter. Criteria: Ambry Variant Classification Scheme 2023. Collection method: clinical testing. Allele origin: germline.
Comment: The p.D3630G variant (also known as c.10889A>G) is located in coding exon 41 of the ANK2 gene. The aspartic acid at codon 3630 is replaced by glycine, an amino acid with similar properties. This change occurs in the first base pair of coding exon 41. This amino acid position is conserved. In addition, the in silico prediction for this alteration is inconclusive. Based on the available evidence, the clinical significance of this variant remains unclear.